The following is an entry in ClinVar:

ClinVar aggregate classification (germline): Uncertain significance. Review status: criteria provided, multiple submitters, no conflicts (2 of 4 stars). 2 submissions from 2 submitters: Uncertain significance (2). Last evaluated 2025-09-04.

Conditions:
DIABLO-related disorder. Also called: DIABLO-related condition.

Allele frequency attached by ClinVar (database versions not stated): gnomAD exomes 0.00001 and 0.00003.

Submissions (2):

PreventionGenetics, part of Exact Sciences
Classification: Uncertain significance for DIABLO-related condition. Last evaluated: 2025-09-04. Review status: criteria provided, single submitter. Criteria: ACMG Guidelines, 2015. Collection method: clinical testing. Allele origin: germline.
Comment: The DIABLO c.474G>A variant is predicted to result in the amino acid substitution p.Met158Ile. To our knowledge, this variant has not been reported in the literature. This variant is reported in 0.0018% of alleles in individuals of European (Non-Finnish) descent in gnomAD. At this time, the clinical significance of this variant is uncertain due to the absence of conclusive functional and genetic evidence.

Labcorp Genetics (formerly Invitae), Labcorp
Classification: Uncertain significance. Last evaluated: 2021-08-31. Review status: criteria provided, single submitter. Criteria: Invitae Variant Classification Sherloc (09022015). Collection method: clinical testing. Allele origin: germline.
Comment: This sequence change replaces methionine with isoleucine at codon 158 of the DIABLO protein (p.Met158Ile). The methionine residue is moderately conserved and there is a small physicochemical difference between methionine and isoleucine. This variant is not present in population databases (ExAC no frequency). This variant has not been reported in the literature in individuals affected with DIABLO-related conditions. Algorithms developed to predict the effect of missense changes on protein structure and function (SIFT, PolyPhen-2, Align-GVGD) all suggest that this variant is likely to be tolerated. In summary, the available evidence is currently insufficient to determine the role of this variant in disease. Therefore, it has been classified as a Variant of Uncertain Significance.

NM_001371333.1(DIABLO):c.474G>A (p.Met158Ile)

Gene: DIABLO (diablo IAP-binding mitochondrial protein; minus strand). Cytogenetic location: 12q24.31.
Variant type: single nucleotide variant.
Coding change: c.474G>A on transcript NM_001371333.1 (MANE Select); coding-DNA position 474, G replaced by A.
Protein change: p.Met158Ile; replaces methionine 158 with isoleucine.
Molecular consequence: missense variant.
Genome position (GRCh38, 1-based): chr12:122,216,537, C>T on the plus strand (G>A on the coding strand, the complement: DIABLO is on the minus strand). VCF-style: chr12-122216537-C-T. GRCh37 (hg19) VCF-style: chr12-122701084-C-T.
Other names: c.474G>A (NM_019887.5); c.183G>A, p.Met61Ile (NM_001278302.1); c.255G>A, p.Met85Ile (NM_001278303.1); c.315G>A, p.Met105Ile (NM_001278304.2, NM_138930.3); c.342G>A, p.Met114Ile (NM_001278342.1); c.474G>A, p.Met158Ile (NM_019887.6); short protein forms M85I, M105I, M61I, M114I, M158I.
Identifiers: ClinVar variation 1475610 (VCV001475610.6), dbSNP rs994617815, ClinGen allele CA244722783.